The following is an entry in ClinVar:

NM_004656.4(BAP1):c.1128C>T (p.Asp376=)

Gene: BAP1 (BRCA1 associated deubiquitinase 1; minus strand). Cytogenetic location: 3p21.1.
Variant type: single nucleotide variant.
Coding change: c.1128C>T on transcript NM_004656.4 (MANE Select); coding-DNA position 1128, C replaced by T.
Protein change: p.Asp376=; no amino-acid change (aspartic acid 376 retained).
Molecular consequence: synonymous variant.
Genome position (GRCh38, 1-based): chr3:52,404,575, G>A on the plus strand (C>T on the coding strand, the complement: BAP1 is on the minus strand). VCF-style: chr3-52404575-G-A. GRCh37 (hg19) VCF-style: chr3-52438591-G-A.
Identifiers: ClinVar variation 1124654 (VCV001124654.10), dbSNP rs756683094, ClinGen allele CA2436894.
Genomic context (GRCh38, chr3:52,404,575, plus strand): 5'-ATCTGAGTACTGCTGGGGTGGGCGGACTGGAACTCGGCTGCGGCCCACACCTGCCGCCAG[G>A]TCTTCTTCCTCCTGGGACAAAGACCAGGGCAGTTACAAACAAGTGCTGCTCGGCCCAGGC-3'
Protein context (NP_004647.1, residues 366-386): YAKSPMQEEE[Asp376=]LAAGVGRSRV

ClinVar aggregate classification (germline): Benign/Likely benign. Review status: criteria provided, multiple submitters, no conflicts (2 of 4 stars). 3 submissions from 3 submitters: Benign (1); Likely benign (2). Last evaluated 2026-01-19.

Conditions:
BAP1-related tumor predisposition syndrome (TPDS1). Also called: Tumor susceptibility linked to germline BAP1 mutations; BAP1 tumor predisposition syndrome; COMMON Syndrome; TUMOR PREDISPOSITION SYNDROME 1. Identifiers: Orphanet 289539, MedGen C3280492, MONDO:0013692, OMIM 614327.
Hereditary cancer-predisposing syndrome. Also called: Hereditary neoplastic syndrome; Neoplastic Syndromes, Hereditary; Tumor predisposition; Hereditary Cancer Syndrome. Identifiers: Orphanet 140162, MedGen C0027672, MeSH D009386, MONDO:0015356.

Allele frequency attached by ClinVar (database versions not stated): gnomAD exomes below 0.00001; TOPMed below 0.00001; ExAC 0.00001; gnomAD 0.00001.

Submissions (3):

Labcorp Genetics (formerly Invitae), Labcorp
Classification: Likely benign for BAP1-related tumor predisposition syndrome. Last evaluated: 2026-01-19. Review status: criteria provided, single submitter. Criteria: Invitae Variant Classification Sherloc (09022015). Collection method: clinical testing. Allele origin: germline.

Myriad Genetics, Inc.
Classification: Benign for BAP1-related tumor predisposition syndrome. Last evaluated: 2024-07-15. Review status: criteria provided, single submitter. Criteria: Myriad Autosomal Dominant, Autosomal Recessive and X-Linked Classification Criteria (2023). Collection method: clinical testing. Allele origin: unknown.
Comment: This variant is considered benign. This variant is a silent/synonymous amino acid change and it is not expected to impact splicing.

Ambry Genetics
Classification: Likely benign for Hereditary cancer-predisposing syndrome. Last evaluated: 2019-06-03. Review status: criteria provided, single submitter. Criteria: Ambry Variant Classification Scheme 2023. Collection method: clinical testing. Allele origin: germline.